The following is an entry in ClinVar:

NM_020937.4(FANCM):c.4768A>T (p.Ile1590Phe)

Gene: FANCM (FA complementation group M; plus strand). Cytogenetic location: 14q21.2.
Variant type: single nucleotide variant.
Coding change: c.4768A>T on transcript NM_020937.4 (MANE Select); coding-DNA position 4768, A replaced by T.
Protein change: p.Ile1590Phe; replaces isoleucine 1590 with phenylalanine.
Molecular consequence: missense variant.
Genome position (GRCh38, 1-based): chr14:45,187,876, A>T. VCF-style: chr14-45187876-A-T. GRCh37 (hg19) VCF-style: chr14-45657079-A-T.
Other names: c.4690A>T, p.Ile1564Phe (NM_001308133.2); short protein forms I1590F, I1564F.
Identifiers: ClinVar variation 4619460 (VCV004619460.1).

ClinVar aggregate classification (germline): Uncertain significance (1 of 4 stars; one submission).

Conditions:
Inborn genetic diseases. Identifiers: MedGen C0950123, MeSH D030342.

gnomAD v4.1: 3 of 1,449,178 alleles (0.00021%); highest among the groups gnomAD compares: Non-Finnish European, 0.00029%; no homozygotes.

Submission:

Ambry Genetics
Classification: Uncertain significance for Inborn genetic diseases. Last evaluated: 2025-10-01. Review status: criteria provided, single submitter. Criteria: Ambry Variant Classification Scheme 2023. Collection method: clinical testing. Allele origin: germline.
Comment: The p.I1590F variant (also known as c.4768A>T), located in coding exon 19 of the FANCM gene, results from an A to T substitution at nucleotide position 4768. The isoleucine at codon 1590 is replaced by phenylalanine, an amino acid with highly similar properties. This amino acid position is conserved. In addition, the in silico prediction for this alteration is inconclusive. Based on the available evidence, the clinical significance of this variant remains unclear.